The following is an entry in ClinVar:

ClinVar aggregate classification (germline): Uncertain significance. Review status: criteria provided, multiple submitters, no conflicts (2 of 4 stars). 2 submissions from 2 submitters: Uncertain significance (2). Last evaluated 2025-09-16.

Conditions:
Hereditary diffuse gastric adenocarcinoma (HDGC). Also called: DIFFUSE GASTRIC AND LOBULAR BREAST CANCER SYNDROME. Identifiers: Orphanet 26106, MedGen C1708349, MONDO:0007648, OMIM 137215.
Hereditary cancer-predisposing syndrome. Also called: Tumor predisposition; Hereditary neoplastic syndrome; Neoplastic Syndromes, Hereditary; Hereditary Cancer Syndrome. Identifiers: Orphanet 140162, MedGen C0027672, MeSH D009386, MONDO:0015356.

gnomAD v4.1: 9 of 1,614,146 alleles (0.00056%); highest among the groups gnomAD compares: South Asian, 0.0099%; no homozygotes.

Submissions (2):

Labcorp Genetics (formerly Invitae), Labcorp
Classification: Uncertain significance for Hereditary diffuse gastric adenocarcinoma. Last evaluated: 2025-09-16. Review status: criteria provided, single submitter. Criteria: Invitae Variant Classification Sherloc (09022015). Collection method: clinical testing. Allele origin: germline.
Comment: This sequence change replaces threonine, which is neutral and polar, with proline, which is neutral and non-polar, at codon 366 of the CDH1 protein (p.Thr366Pro). This variant is present in population databases (no rsID available, gnomAD 0.003%). This variant has not been reported in the literature in individuals affected with CDH1-related conditions. ClinVar contains an entry for this variant (Variation ID: 941549). An algorithm developed to predict the effect of missense changes on protein structure and function (PolyPhen-2) suggests that this variant is likely to be tolerated. In summary, the available evidence is currently insufficient to determine the role of this variant in disease. Therefore, it has been classified as a Variant of Uncertain Significance.

Ambry Genetics
Classification: Uncertain significance for Hereditary cancer-predisposing syndrome. Last evaluated: 2024-03-15. Review status: criteria provided, single submitter. Criteria: Ambry Variant Classification Scheme 2023. Collection method: clinical testing. Allele origin: germline.
Comment: The p.T366P variant (also known as c.1096A>C), located in coding exon 8 of the CDH1 gene, results from an A to C substitution at nucleotide position 1096. The threonine at codon 366 is replaced by proline, an amino acid with highly similar properties. This amino acid position is conserved. In addition, this alteration is predicted to be tolerated by in silico analysis. Based on the available evidence, the clinical significance of this alteration remains unclear.

NM_004360.5(CDH1):c.1096A>C (p.Thr366Pro)

Gene: CDH1 (cadherin 1; plus strand). Cytogenetic location: 16q22.1.
Variant type: single nucleotide variant.
Coding change: c.1096A>C on transcript NM_004360.5 (MANE Select); coding-DNA position 1096, A replaced by C.
Protein change: p.Thr366Pro; replaces threonine 366 with proline.
Molecular consequence: missense variant. On other transcripts: 5 prime UTR variant (2).
Genome position (GRCh38, 1-based): chr16:68,812,222, A>C. VCF-style: chr16-68812222-A-C. GRCh37 (hg19) VCF-style: chr16-68846125-A-C.
Other names: c.1096A>C, p.Thr366Pro (NM_001317184.2); c.-520A>C (NM_001317185.2); c.-724A>C (NM_001317186.2); short protein forms T366P.
Identifiers: ClinVar variation 941549 (VCV000941549.11), dbSNP rs1060501238, ClinGen allele CA396460117.
Genomic context (GRCh38, chr16:68,812,222, plus strand): 5'-CAAGCTGCTGACCTTCAAGGTGAGGGGTTAAGCACAACAGCAACAGCTGTGATCACAGTC[A>C]CTGACACCAACGATAATCCTCCGATCTTCAATCCCACCACGGTAATTCTATAACTCCTTA-3'
Protein context (NP_004351.1, residues 356-376): STTATAVITV[Thr366Pro]DTNDNPPIFN